The following is an entry in ClinVar:

ClinVar aggregate classification (germline): Uncertain significance (1 of 4 stars; one submission).

Submission:

Labcorp Genetics (formerly Invitae), Labcorp
Classification: Uncertain significance. Last evaluated: 2025-02-20. Review status: criteria provided, single submitter. Criteria: Invitae Variant Classification Sherloc (09022015). Collection method: clinical testing. Allele origin: germline.
Comment: This sequence change replaces threonine, which is neutral and polar, with proline, which is neutral and non-polar, at codon 46 of the SRP72 protein (p.Thr46Pro). This variant is not present in population databases (gnomAD no frequency). This variant has not been reported in the literature in individuals affected with SRP72-related conditions. Invitae Evidence Modeling of protein sequence and biophysical properties (such as structural, functional, and spatial information, amino acid conservation, physicochemical variation, residue mobility, and thermodynamic stability) indicates that this missense variant is not expected to disrupt SRP72 protein function with a negative predictive value of 80%. In summary, the available evidence is currently insufficient to determine the role of this variant in disease. Therefore, it has been classified as a Variant of Uncertain Significance.

NM_006947.4(SRP72):c.136A>C (p.Thr46Pro)

Gene: SRP72 (signal recognition particle 72; plus strand). Cytogenetic location: 4q12.
Variant type: single nucleotide variant.
Coding change: c.136A>C on transcript NM_006947.4 (MANE Select); coding-DNA position 136, A replaced by C.
Protein change: p.Thr46Pro; replaces threonine 46 with proline.
Molecular consequence: missense variant. On other transcripts: non-coding transcript variant (1).
Genome position (GRCh38, 1-based): chr4:56,469,679, A>C. VCF-style: chr4-56469679-A-C. GRCh37 (hg19) VCF-style: chr4-57335845-A-C.
Other names: c.136A>C, p.Thr46Pro (NM_001267722.2); short protein forms T46P.
Identifiers: ClinVar variation 4742175 (VCV004742175.1).